The following is an entry in ClinVar:

NM_007294.4(BRCA1):c.3508A>T (p.Ile1170Phe)

Genes: BRCA1 (BRCA1 DNA repair associated; minus strand), LOC126862571 (BRD4-independent group 4 enhancer GRCh37_chr17:41243136-41244335; plus strand). Cytogenetic location: 17q21.31.
Variant type: single nucleotide variant.
Coding change: c.3508A>T on transcript NM_007294.4 (MANE Select); coding-DNA position 3508, A replaced by T.
Protein change: p.Ile1170Phe; replaces isoleucine 1170 with phenylalanine.
Molecular consequence: missense variant. On other transcripts: intron variant (135).
Genome position (GRCh38, 1-based): chr17:43,092,023, T>A on the plus strand (A>T on the coding strand, the complement: BRCA1 is on the minus strand). VCF-style: chr17-43092023-T-A. GRCh37 (hg19) VCF-style: chr17-41244040-T-A.
Other names: c.3295A>T, p.Ile1099Phe (NM_001407571.1, NM_001407853.1, NM_001407894.1 and 9 more transcripts); c.3508A>T, p.Ile1170Phe (NM_001407581.1, NM_001407582.1, NM_001407583.1 and 30 more transcripts); c.3505A>T, p.Ile1169Phe (NM_001407587.1, NM_001407590.1, NM_001407591.1 and 22 more transcripts); c.3499A>T, p.Ile1167Phe (NM_001407646.1, NM_001407647.1); c.3385A>T, p.Ile1129Phe (NM_001407648.1, NM_001407664.1, NM_001407665.1 and 19 more transcripts); c.3382A>T, p.Ile1128Phe (NM_001407649.1, NM_001407670.1, NM_001407671.1 and 11 more transcripts); c.3430A>T, p.Ile1144Phe (NM_001407653.1, NM_001407654.1, NM_001407655.1 and 4 more transcripts); c.3427A>T, p.Ile1143Phe (NM_001407659.1, NM_001407660.1, NM_001407661.1 and 1 more transcripts); and 41 more; short protein forms I1170F, I1123F, I1002F, I1042F, I1059F, I1099F, I1128F, I1129F.
Identifiers: ClinVar variation 54905 (VCV000054905.9), dbSNP rs273899708, ClinGen allele CA002254.

ClinVar aggregate classification (germline): Conflicting classifications of pathogenicity. Review status: criteria provided, conflicting classifications (1 of 4 stars). 3 submissions from 3 submitters: Uncertain significance (1); Likely benign (1). 1 of the submissions does not count toward it. Last evaluated 2023-03-23.

Conditions:
Hereditary cancer-predisposing syndrome. Also called: Hereditary Cancer Syndrome; Hereditary neoplastic syndrome; Neoplastic Syndromes, Hereditary; Tumor predisposition. Identifiers: Orphanet 140162, MedGen C0027672, MeSH D009386, MONDO:0015356.
Breast-ovarian cancer, familial, susceptibility to, 1 (BROVCA1). Also called: BRCA1 Hereditary Breast and Ovarian Cancer; OVARIAN CANCER, SUSCEPTIBILITY TO. Identifiers: Orphanet 145, MedGen C2676676, MONDO:0011450, OMIM 604370. Disease mechanism: loss of function.
Hereditary breast ovarian cancer syndrome. Also called: BRCA1- and BRCA2-Associated Hereditary Breast and Ovarian Cancer; Hereditary breast and ovarian cancer syndrome; Hereditary breast and ovarian cancer syndrome (HBOC); Breast and ovarian cancer; Hereditary breast and/or ovarian cancer syndrome; Hereditary breast and ovarian cancer. Identifiers: Orphanet 145, MedGen C0677776, MeSH D061325, MONDO:0003582. Disease mechanism: loss of function.

Submissions (3):

University of Washington Department of Laboratory Medicine, University of Washington
Classification: Likely benign for Hereditary cancer-predisposing syndrome. Last evaluated: 2023-03-23. Review status: criteria provided, single submitter. Criteria: Dines et al. (Genet Med. 2020). Collection method: curation. Allele origin: germline.
Comment: Missense variant in a coldspot region where missense variants are very unlikely to be pathogenic (PMID:31911673).

BRCA1 coldspot (exon 11 using historical exon numbering). Reclassification based on statistical prior probability

Labcorp Genetics (formerly Invitae), Labcorp
Classification: Uncertain significance for Hereditary breast ovarian cancer syndrome. Last evaluated: 2022-05-29. Review status: criteria provided, single submitter. Criteria: Invitae Variant Classification Sherloc (09022015). Collection method: clinical testing. Allele origin: germline.
Comment: This sequence change replaces isoleucine, which is neutral and non-polar, with phenylalanine, which is neutral and non-polar, at codon 1170 of the BRCA1 protein (p.Ile1170Phe). This variant is not present in population databases (gnomAD no frequency). This missense change has been observed in individual(s) with hereditary breast and ovarian cancer (PMID: 26848529, 30702160, 31825140). ClinVar contains an entry for this variant (Variation ID: 54905). Advanced modeling of protein sequence and biophysical properties (such as structural, functional, and spatial information, amino acid conservation, physicochemical variation, residue mobility, and thermodynamic stability) performed at Invitae indicates that this missense variant is not expected to disrupt BRCA1 protein function. In summary, the available evidence is currently insufficient to determine the role of this variant in disease. Therefore, it has been classified as a Variant of Uncertain Significance.

Breast Cancer Information Core (BIC) (BRCA1)
Classification: Uncertain significance for Breast-ovarian cancer, familial 1. Last evaluated: 2005-05-26. Review status: no assertion criteria provided. Collection method: clinical testing. Allele origin: somatic. Affected: yes. Observed: 2 variant alleles. Not counted in ClinVar's aggregate classification.

Literature cited by the submitters: PubMed 26848529 (cited by Labcorp Genetics (formerly Invitae), Labcorp); PubMed 30702160 (cited by Labcorp Genetics (formerly Invitae), Labcorp); PubMed 31825140 (cited by Labcorp Genetics (formerly Invitae), Labcorp).